The following is an entry in ClinVar:

ClinVar aggregate classification (germline): Uncertain significance. Review status: criteria provided, multiple submitters, no conflicts (2 of 4 stars). 2 submissions from 2 submitters: Uncertain significance (2). Last evaluated 2023-08-17.

Conditions:
Inborn genetic diseases. Identifiers: MedGen C0950123, MeSH D030342.
Methylmalonic acidemia with homocystinuria, type cblJ (MAHCJ). Also called: METHYLMALONIC ACIDURIA AND HOMOCYSTINURIA, cblJ TYPE. Identifiers: Orphanet 369955, MedGen C3553915, MONDO:0013925, OMIM 614857.

Allele frequency attached by ClinVar (database versions not stated): ESP Exome Variant Server 0.00015; gnomAD 0.00018 and 0.00019; TOPMed 0.00021; gnomAD exomes 0.00025 and 0.00037; ExAC 0.00040.
gnomAD v4.1: 401 of 1,614,046 alleles (0.025%); highest among the groups gnomAD compares: Admixed American, 0.062%; no homozygotes.

Submissions (2):

Labcorp Genetics (formerly Invitae), Labcorp
Classification: Uncertain significance for Methylmalonic acidemia with homocystinuria, type cblJ. Last evaluated: 2023-08-17. Review status: criteria provided, single submitter. Criteria: Invitae Variant Classification Sherloc (09022015). Collection method: clinical testing. Allele origin: germline.
Comment: This sequence change replaces arginine, which is basic and polar, with glutamine, which is neutral and polar, at codon 442 of the ABCD4 protein (p.Arg442Gln). This variant is present in population databases (rs199986349, gnomAD 0.07%). This variant has not been reported in the literature in individuals affected with ABCD4-related conditions. ClinVar contains an entry for this variant (Variation ID: 1008655). Algorithms developed to predict the effect of missense changes on protein structure and function output the following: SIFT: "Not Available"; PolyPhen-2: "Benign"; Align-GVGD: "Not Available". The glutamine amino acid residue is found in multiple mammalian species, which suggests that this missense change does not adversely affect protein function. In summary, the available evidence is currently insufficient to determine the role of this variant in disease. Therefore, it has been classified as a Variant of Uncertain Significance.

Ambry Genetics
Classification: Uncertain significance for Inborn genetic diseases. Last evaluated: 2021-01-15. Review status: criteria provided, single submitter. Criteria: Ambry Variant Classification Scheme 2023. Collection method: clinical testing. Allele origin: germline.

NM_005050.4(ABCD4):c.1325G>A (p.Arg442Gln)

Gene: ABCD4 (ATP binding cassette subfamily D member 4; minus strand). Cytogenetic location: 14q24.3.
Variant type: single nucleotide variant.
Coding change: c.1325G>A on transcript NM_005050.4 (MANE Select); coding-DNA position 1325, G replaced by A.
Protein change: p.Arg442Gln; replaces arginine 442 with glutamine.
Molecular consequence: missense variant. On other transcripts: non-coding transcript variant (10).
Genome position (GRCh38, 1-based): chr14:74,290,293, C>T on the plus strand (G>A on the coding strand, the complement: ABCD4 is on the minus strand). VCF-style: chr14-74290293-C-T. GRCh37 (hg19) VCF-style: chr14-74756996-C-T.
Other names: c.1199G>A, p.Arg400Gln (NM_001353591.2, NM_001353592.2); c.1064G>A, p.Arg355Gln (NM_001353593.2); c.1013G>A, p.Arg338Gln (NM_001353594.2); c.911G>A, p.Arg304Gln (NM_001353595.2, NM_001353596.2); c.860G>A, p.Arg287Gln (NM_001353597.2); c.848G>A, p.Arg283Gln (NM_001353598.2, NM_001353599.2, NM_001353600.2 and 2 more transcripts); c.536G>A, p.Arg179Gln (NM_001353602.2, NM_001353603.2, NM_001353604.2 and 6 more transcripts); c.1325G>A, p.Arg442Gln (NM_020325.3); and 1 more; short protein forms R179Q, R283Q, R287Q, R304Q, R338Q, R355Q, R400Q, R442Q.
Identifiers: ClinVar variation 1008655 (VCV001008655.7), dbSNP rs199986349, ClinGen allele CA7266860.